The following is an entry in ClinVar:

ClinVar aggregate classification (germline): Likely benign (1 of 4 stars; one submission).

Submission:

CeGaT Center for Human Genetics Tuebingen
Classification: Likely benign. Last evaluated: 2022-12-01. Review status: criteria provided, single submitter. Criteria: CeGaT Center For Human Genetics Tuebingen Variant Classification Criteria Version 2. Collection method: clinical testing. Allele origin: germline. Affected: yes. Observed: 2 variant alleles.
Comment: MIA3: BS2

NC_000001.11:g.222617967_222617972del

Gene: MIA3 (MIA SH3 domain ER export factor 3; plus strand). Cytogenetic location: 1q41.
Variant type: Deletion.
Genome position: GRCh38 VCF-style: chr1-222617961-CCCCCGT-C. GRCh37 (hg19) VCF-style: chr1-222791303-CCCCCGT-C.
Identifiers: ClinVar variation 2639914 (VCV002639914.24), dbSNP rs1207126732, ClinGen allele CA529079635.